The following is an entry in ClinVar:

NM_016604.4(KDM3B):c.2920C>T (p.Pro974Ser)

Gene: KDM3B (lysine demethylase 3B; plus strand). Cytogenetic location: 5q31.2.
Variant type: single nucleotide variant.
Coding change: c.2920C>T on transcript NM_016604.4 (MANE Select); coding-DNA position 2920, C replaced by T.
Protein change: p.Pro974Ser; replaces proline 974 with serine.
Molecular consequence: missense variant.
Genome position (GRCh38, 1-based): chr5:138,398,266, C>T. VCF-style: chr5-138398266-C-T. GRCh37 (hg19) VCF-style: chr5-137733955-C-T.
Other names: short protein forms P974S.
Identifiers: ClinVar variation 3367590 (VCV003367590.1).

ClinVar aggregate classification (germline): Uncertain significance (1 of 4 stars; one submission).

Submission:

GeneDx
Classification: Uncertain significance. Last evaluated: 2024-01-09. Review status: criteria provided, single submitter. Criteria: GeneDx Variant Classification Process June 2021. Collection method: clinical testing. Allele origin: germline. Affected: yes.
Comment: Not observed at significant frequency in large population cohorts (gnomAD); In silico analysis supports that this missense variant has a deleterious effect on protein structure/function; Has not been previously published as pathogenic or benign to our knowledge